The following is an entry in ClinVar:

NM_152743.4(BRAT1):c.*10G>C

Gene: BRAT1 (BRCA1 associated ATM activator 1; minus strand). Cytogenetic location: 7p22.3.
Variant type: single nucleotide variant.
Coding change: c.*10G>C on transcript NM_152743.4 (MANE Select); 10 bases downstream of the stop codon, G replaced by C.
Molecular consequence: 3 prime UTR variant. On other transcripts: non-coding transcript variant (1).
Genome position (GRCh38, 1-based): chr7:2,538,059, C>G on the plus strand (G>C on the coding strand, the complement: BRAT1 is on the minus strand). VCF-style: chr7-2538059-C-G. GRCh37 (hg19) VCF-style: chr7-2577693-C-G.
Other names: c.*10G>C (NM_001350626.2, NM_001350627.2).
Identifiers: ClinVar variation 1189594 (VCV001189594.7), dbSNP rs190232808, ClinGen allele CA4127352.
Genomic context (GRCh38, chr7:2,538,059, plus strand): 5'-CAGTGTCCCACAGAAGGACATGGTGCTGCCTCCCTTGGTCCTGAGCCCCAGTGGCAGACT[C>G]TGGTTCTGCTCAGTAGCAGTCGGCCTCGTCCCCCTGCAGGAAGCCTCCCGTGGCCAGCAT-3'

ClinVar aggregate classification (germline): Likely benign. Review status: criteria provided, multiple submitters, no conflicts (2 of 4 stars). 3 submissions from 3 submitters: Likely benign (3). Last evaluated 2024-11-13.

Allele frequency attached by ClinVar (database versions not stated): ESP Exome Variant Server 0.00016; ExAC 0.00041; 1000 Genomes Project 30x 0.00047; 1000 Genomes Project 0.00060.
gnomAD v4.1: 583 of 1,541,596 alleles (0.038%); highest among the groups gnomAD compares: Middle Eastern, 0.72%; 2 homozygotes.

Submissions (3):

Blueprint Genetics
Classification: Likely benign. Last evaluated: 2024-11-13. Review status: criteria provided, single submitter. Criteria: ACMG Guidelines, 2015. Collection method: clinical testing. Allele origin: germline.

GeneDx
Classification: Likely benign. Last evaluated: 2023-10-04. Review status: criteria provided, single submitter. Criteria: GeneDx Variant Classification Process June 2021. Collection method: clinical testing. Allele origin: germline. Affected: yes.
Comment: See Variant Classification Assertion Criteria.

Breakthrough Genomics
Classification: Likely benign. Review status: criteria provided, single submitter. Criteria: ACMG Guidelines, 2015. Collection method: not provided. Allele origin: germline. Inheritance: Autosomal recessive inheritance. Affected: yes.